The following is an entry in ClinVar:

ClinVar aggregate classification (germline): Uncertain significance (1 of 4 stars; one submission).

Conditions:
Primary ciliary dyskinesia. Also called: Ciliary dyskinesia. Identifiers: Orphanet 244, MedGen C0008780, MONDO:0016575, HP:0012265.

gnomAD v4.1: 5 of 1,614,040 alleles (0.00031%); highest among the groups gnomAD compares: Non-Finnish European, 0.00034%; no homozygotes.

Submission:

Labcorp Genetics (formerly Invitae), Labcorp
Classification: Uncertain significance for Primary ciliary dyskinesia. Last evaluated: 2024-10-15. Review status: criteria provided, single submitter. Criteria: Invitae Variant Classification Sherloc (09022015). Collection method: clinical testing. Allele origin: germline.
Comment: This sequence change replaces leucine, which is neutral and non-polar, with isoleucine, which is neutral and non-polar, at codon 192 of the RSPH4A protein (p.Leu192Ile). This variant is present in population databases (rs754915761, gnomAD 0.003%). This variant has not been reported in the literature in individuals affected with RSPH4A-related conditions. Invitae Evidence Modeling of protein sequence and biophysical properties (such as structural, functional, and spatial information, amino acid conservation, physicochemical variation, residue mobility, and thermodynamic stability) indicates that this missense variant is not expected to disrupt RSPH4A protein function with a negative predictive value of 80%. In summary, the available evidence is currently insufficient to determine the role of this variant in disease. Therefore, it has been classified as a Variant of Uncertain Significance.

NM_001010892.3(RSPH4A):c.574T>A (p.Leu192Ile)

Gene: RSPH4A (radial spoke head component 4A; plus strand). Cytogenetic location: 6q22.1.
Variant type: single nucleotide variant.
Coding change: c.574T>A on transcript NM_001010892.3 (MANE Select); coding-DNA position 574, T replaced by A.
Protein change: p.Leu192Ile; replaces leucine 192 with isoleucine.
Molecular consequence: missense variant.
Genome position (GRCh38, 1-based): chr6:116,617,197, T>A. VCF-style: chr6-116617197-T-A. GRCh37 (hg19) VCF-style: chr6-116938360-T-A.
Other names: c.574T>A, p.Leu192Ile (NM_001161664.2); short protein forms L192I.
Identifiers: ClinVar variation 3631450 (VCV003631450.2).
Genomic context (GRCh38, chr6:116,617,197, plus strand): 5'-AAACAGAAAGAGCTGAGATTTGACGTTTTTCAGGAGGAAGACTCAAACAGTGACTATGAT[T>A]TACAGCAGCCGGCGCCTGGGGGCTCTGAAGTGGCCCCCAGCATGCTTGAGATCACCATTC-3'
Protein context (NP_001010892.1, residues 182-202): QEEDSNSDYD[Leu192Ile]QQPAPGGSEV